The following is an entry in ClinVar:

NM_002585.4(PBX1):c.874A>G (p.Lys292Glu)

Gene: PBX1 (PBX homeobox 1; plus strand). Cytogenetic location: 1q23.3.
Variant type: single nucleotide variant.
Coding change: c.874A>G on transcript NM_002585.4 (MANE Select); coding-DNA position 874, A replaced by G.
Protein change: p.Lys292Glu; replaces lysine 292 with glutamic acid.
Molecular consequence: missense variant.
Genome position (GRCh38, 1-based): chr1:164,812,026, A>G. VCF-style: chr1-164812026-A-G. GRCh37 (hg19) VCF-style: chr1-164781263-A-G.
Other names: c.874A>G, p.Lys292Glu (NM_001204961.2, NM_001204963.2, NM_001353131.2); c.625A>G, p.Lys209Glu (NM_001353130.1); short protein forms K292E, K209E.
Identifiers: ClinVar variation 4088187 (VCV004088187.1).

ClinVar aggregate classification (germline): Pathogenic (1 of 4 stars; one submission).

Submission:

GeneDx
Classification: Pathogenic. Last evaluated: 2025-03-28. Review status: criteria provided, single submitter. Criteria: GeneDx Variant Classification Process June 2021. Collection method: clinical testing. Allele origin: germline. Affected: yes.
Comment: Not observed at significant frequency in large population cohorts (gnomAD); In silico analysis supports that this missense variant has a deleterious effect on protein structure/function; Has not been previously published as pathogenic or benign to our knowledge